The following is an entry in ClinVar:

NM_006086.4(TUBB3):c.855C>T (p.Thr285=)

Gene: TUBB3 (tubulin beta 3 class III; plus strand). Cytogenetic location: 16q24.3.
Variant type: single nucleotide variant.
Coding change: c.855C>T on transcript NM_006086.4 (MANE Select); coding-DNA position 855, C replaced by T.
Protein change: p.Thr285=; no amino-acid change (threonine 285 retained).
Molecular consequence: synonymous variant.
Genome position (GRCh38, 1-based): chr16:89,935,306, C>T. VCF-style: chr16-89935306-C-T. GRCh37 (hg19) VCF-style: chr16-90001714-C-T.
Other names: p.Thr285=; c.639C>T, p.Thr213= (NM_001197181.2).
Identifiers: ClinVar variation 391291 (VCV000391291.15), dbSNP rs201682024, ClinGen allele CA8256173.

ClinVar aggregate classification (germline): Likely benign. Review status: criteria provided, multiple submitters, no conflicts (2 of 4 stars). 5 submissions from 5 submitters: Likely benign (4). 1 of the submissions does not count toward it. Last evaluated 2026-06-01.

Conditions:
TUBB3-related disorder. Also called: TUBB3-related disorders; TUBB3-related condition.

Allele frequency attached by ClinVar (database versions not stated): gnomAD 0.00011 and 0.00013; gnomAD exomes 0.00012; ExAC 0.00014; TOPMed 0.00020.

Submissions (5):

CeGaT Center for Human Genetics Tuebingen
Classification: Likely benign. Last evaluated: 2026-06-01. Review status: criteria provided, single submitter. Criteria: CeGaT Center For Human Genetics Tuebingen Variant Classification Criteria Version 2. Collection method: clinical testing. Allele origin: germline. Affected: yes. Observed: 1 variant allele.
Comment: TUBB3: BP4, BP7

Labcorp Genetics (formerly Invitae), Labcorp
Classification: Likely benign. Last evaluated: 2025-12-02. Review status: criteria provided, single submitter. Criteria: Invitae Variant Classification Sherloc (09022015). Collection method: clinical testing. Allele origin: germline.

Mayo Clinic Laboratories, Mayo Clinic
Classification: Likely benign. Last evaluated: 2025-02-26. Review status: criteria provided, single submitter. Criteria: ACMG Guidelines, 2015. Collection method: clinical testing. Allele origin: germline. Observed: 1 variant allele.
Comment: BP4, BP7

GeneDx
Classification: Likely benign. Last evaluated: 2020-10-21. Review status: criteria provided, single submitter. Criteria: GeneDx Variant Classification Process June 2021. Collection method: clinical testing. Allele origin: germline. Affected: yes.

PreventionGenetics, part of Exact Sciences
Classification: Likely benign for TUBB3-related condition. Last evaluated: 2019-03-22. Review status: no assertion criteria provided. Collection method: clinical testing. Allele origin: germline. Not counted in ClinVar's aggregate classification.
Comment: This variant is classified as likely benign based on ACMG/AMP sequence variant interpretation guidelines (Richards et al. 2015 PMID: 25741868, with internal and published modifications).